The following is an entry in ClinVar:

NM_006767.4(LZTR1):c.1602A>G (p.Lys534=)

Gene: LZTR1 (leucine zipper like post translational regulator 1; plus strand). Cytogenetic location: 22q11.21.
Variant type: single nucleotide variant.
Coding change: c.1602A>G on transcript NM_006767.4 (MANE Select); coding-DNA position 1602, A replaced by G.
Protein change: p.Lys534=; no amino-acid change (lysine 534 retained).
Molecular consequence: synonymous variant.
Genome position (GRCh38, 1-based): chr22:20,994,256, A>G. VCF-style: chr22-20994256-A-G. GRCh37 (hg19) VCF-style: chr22-21348545-A-G.
Other names: c.1602A>G (NM_006767.3).
Identifiers: ClinVar variation 1472321 (VCV001472321.7), dbSNP rs1230203913, ClinGen allele CA513699300.

ClinVar aggregate classification (germline): Conflicting classifications of pathogenicity. Review status: criteria provided, conflicting classifications (1 of 4 stars). 2 submissions from 2 submitters: Uncertain significance (1); Likely benign (1). Last evaluated 2025-08-18.

Allele frequency attached by ClinVar (database versions not stated): gnomAD exomes below 0.00001; TOPMed below 0.00001.
gnomAD v4.1: 1 of 1,598,484 alleles (0.000063%); highest among the groups gnomAD compares: Non-Finnish European, 0.000085%; no homozygotes.

Submissions (2):

Labcorp Genetics (formerly Invitae), Labcorp
Classification: Likely benign. Last evaluated: 2025-08-18. Review status: criteria provided, single submitter. Criteria: Invitae Variant Classification Sherloc (09022015). Collection method: clinical testing. Allele origin: germline.

GeneDx
Classification: Uncertain significance. Last evaluated: 2024-05-03. Review status: criteria provided, single submitter. Criteria: GeneDx Variant Classification Process June 2021. Collection method: clinical testing. Allele origin: germline. Affected: yes.
Comment: Not observed at significant frequency in large population cohorts (gnomAD); In silico analysis suggests this variant may impact gene splicing. In the absence of RNA/functional studies, the actual effect of this sequence change is unknown.; Has not been previously published as pathogenic or benign to our knowledge